The following is an entry in ClinVar:

NM_001211.6(BUB1B):c.696C>A (p.Ser232Arg)

Gene: BUB1B (BUB1 mitotic checkpoint serine/threonine kinase B; plus strand). Cytogenetic location: 15q15.1.
Variant type: single nucleotide variant.
Coding change: c.696C>A on transcript NM_001211.6 (MANE Select); coding-DNA position 696, C replaced by A.
Protein change: p.Ser232Arg; replaces serine 232 with arginine.
Molecular consequence: missense variant.
Genome position (GRCh38, 1-based): chr15:40,183,828, C>A. VCF-style: chr15-40183828-C-A. GRCh37 (hg19) VCF-style: chr15-40476029-C-A.
Other names: short protein forms S232R.
Identifiers: ClinVar variation 1756358 (VCV001756358.2), dbSNP rs1341919179, ClinGen allele CA391683413.

ClinVar aggregate classification (germline): Uncertain significance (1 of 4 stars; one submission).

Conditions:
Inborn genetic diseases. Identifiers: MedGen C0950123, MeSH D030342.

Allele frequency attached by ClinVar (database versions not stated): TOPMed below 0.00001.
gnomAD v4.1: 1 of 1,614,008 alleles (0.000062%); highest among the groups gnomAD compares: Admixed American, 0.0017%; no homozygotes.

Submission:

Ambry Genetics
Classification: Uncertain significance for Inborn genetic diseases. Last evaluated: 2022-07-02. Review status: criteria provided, single submitter. Criteria: Ambry Variant Classification Scheme 2023. Collection method: clinical testing. Allele origin: germline.
Comment: The p.S232R variant (also known as c.696C>A), located in coding exon 6 of the BUB1B gene, results from a C to A substitution at nucleotide position 696. The serine at codon 232 is replaced by arginine, an amino acid with dissimilar properties. This amino acid position is conserved. In addition, this alteration is predicted to be tolerated by in silico analysis. Since supporting evidence is limited at this time, the clinical significance of this alteration remains unclear.